The following is an entry in ClinVar:

NC_000011.9:g.(?_108137888)_(108141215_?)del

Gene: ATM (ATM serine/threonine kinase; plus strand). Cytogenetic location: 11q22.3.
Variant type: Deletion.
Identifiers: ClinVar variation 3244459 (VCV003244459.1).

ClinVar aggregate classification (germline): Uncertain significance (1 of 4 stars; one submission).

Conditions:
Ataxia-telangiectasia syndrome (AT). Also called: LOUIS-BAR SYNDROME; Cerebello-oculocutaneous telangiectasia; Immunodeficiency with ataxia telangiectasia; AT, COMPLEMENTATION GROUP C; Ataxia-telangiectasia, complementation group D; ATAXIA-TELANGIECTASIA, COMPLEMENTATION GROUP A. Identifiers: Orphanet 100, MedGen C0004135, MONDO:0008840, OMIM 208900.

Submission:

Labcorp Genetics (formerly Invitae), Labcorp
Classification: Uncertain significance for Ataxia-telangiectasia syndrome. Last evaluated: 2023-02-24. Review status: criteria provided, single submitter. Criteria: Invitae Variant Classification Sherloc (09022015). Collection method: clinical testing. Allele origin: unknown.
Comment: This variant is a gross deletion of the genomic region encompassing exon(s) 17-18 of the ATM gene. This variant would be expected to be in-frame, preserving the integrity of the reading frame. This variant has not been reported in the literature in individuals affected with ATM-related conditions. Experimental studies and prediction algorithms are not available or were not evaluated, and the functional significance of this variant is currently unknown. In summary, the available evidence is currently insufficient to determine the role of this variant in disease. Therefore, it has been classified as a Variant of Uncertain Significance.